The following is an entry in ClinVar:

Conditions:
Breast-ovarian cancer, familial, susceptibility to, 1 (BROVCA1). Also called: BRCA1 Hereditary Breast and Ovarian Cancer; OVARIAN CANCER, SUSCEPTIBILITY TO. Identifiers: Orphanet 145, MedGen C2676676, MONDO:0011450, OMIM 604370. Disease mechanism: loss of function.

Submission:

Brotman Baty Institute, University of Washington
No classification provided (evidence only). Condition: Breast-ovarian cancer, familial 1. Review status: no classification provided. Collection method: in vitro. Allele origin: not applicable. Functional consequence: functionally_normal.
ClinVar note: "not provided" was previously submitted as the classification for the variant. However, the classification appeared to be based only on an observation of functional data so it was converted to no classification on 2025-07-30.

NM_007294.4(BRCA1):c.5205A>G (p.Glu1735=)

Gene: BRCA1 (BRCA1 DNA repair associated; minus strand). Cytogenetic location: 17q21.31.
Variant type: single nucleotide variant.
Coding change: c.5205A>G on transcript NM_007294.4 (MANE Select); coding-DNA position 5205, A replaced by G.
Protein change: p.Glu1735=; no amino-acid change (glutamic acid 1735 retained).
Molecular consequence: synonymous variant.
Genome position (GRCh38, 1-based): chr17:43,057,124, T>C on the plus strand (A>G on the coding strand, the complement: BRCA1 is on the minus strand). VCF-style: chr17-43057124-T-C. GRCh37 (hg19) VCF-style: chr17-41209141-T-C.
Other names: c.1683A>G, p.Glu561= (NM_001408481.1, NM_001408482.1, NM_001408483.1 and 5 more transcripts); c.1680A>G, p.Glu560= (NM_001408492.1, NM_001408493.1); c.1656A>G, p.Glu552= (NM_001408494.1); c.1650A>G, p.Glu550= (NM_001408495.1); c.1632A>G, p.Glu544= (NM_001408496.1, NM_001408497.1, NM_001408498.1 and 3 more transcripts); c.1629A>G, p.Glu543= (NM_001408502.1, NM_001408503.1, NM_001408504.1); c.1626A>G, p.Glu542= (NM_001408505.1); c.1569A>G, p.Glu523= (NM_001408506.1); and 72 more.
Identifiers: ClinVar variation 867517 (VCV000867517.3), dbSNP rs431825412, ClinGen allele CA500144860.